The following is an entry in ClinVar:

NM_001206927.2(DNAH8):c.7114A>G (p.Met2372Val)

Gene: DNAH8 (dynein axonemal heavy chain 8; plus strand). Cytogenetic location: 6p21.2.
Variant type: single nucleotide variant.
Coding change: c.7114A>G on transcript NM_001206927.2 (MANE Select); coding-DNA position 7114, A replaced by G.
Protein change: p.Met2372Val; replaces methionine 2372 with valine.
Molecular consequence: missense variant.
Genome position (GRCh38, 1-based): chr6:38,872,659, A>G. VCF-style: chr6-38872659-A-G. GRCh37 (hg19) VCF-style: chr6-38840435-A-G.
Other names: c.6463A>G, p.Met2155Val (NM_001371.4); short protein forms M2372V, M2155V.
Identifiers: ClinVar variation 407276 (VCV000407276.6), dbSNP rs769036544, ClinGen allele CA3789838.

ClinVar aggregate classification (germline): Uncertain significance (1 of 4 stars; one submission).

Conditions:
Primary ciliary dyskinesia. Also called: Ciliary dyskinesia. Identifiers: Orphanet 244, MedGen C0008780, MONDO:0016575, HP:0012265.

Allele frequency attached by ClinVar (database versions not stated): ExAC 0.00001; gnomAD exomes 0.00002 and 0.00003; gnomAD 0.00006; TOPMed 0.00008.
gnomAD v4.1: 56 of 1,614,028 alleles (0.0035%); highest among the groups gnomAD compares: Admixed American, 0.022%; no homozygotes.

Submission:

Labcorp Genetics (formerly Invitae), Labcorp
Classification: Uncertain significance for Primary ciliary dyskinesia. Last evaluated: 2022-04-07. Review status: criteria provided, single submitter. Criteria: Invitae Variant Classification Sherloc (09022015). Collection method: clinical testing. Allele origin: germline.
Comment: This sequence change replaces methionine, which is neutral and non-polar, with valine, which is neutral and non-polar, at codon 2372 of the DNAH8 protein (p.Met2372Val). This variant is present in population databases (rs769036544, gnomAD 0.01%). This variant has not been reported in the literature in individuals affected with DNAH8-related conditions. ClinVar contains an entry for this variant (Variation ID: 407276). Algorithms developed to predict the effect of missense changes on protein structure and function are either unavailable or do not agree on the potential impact of this missense change (SIFT: "Deleterious"; PolyPhen-2: "Not Available"; Align-GVGD: "Class C0"). In summary, the available evidence is currently insufficient to determine the role of this variant in disease. Therefore, it has been classified as a Variant of Uncertain Significance.